The following is an entry in ClinVar:

ClinVar aggregate classification (germline): Conflicting classifications of pathogenicity. Review status: criteria provided, conflicting classifications (1 of 4 stars). 4 submissions from 4 submitters: Uncertain significance (1); Likely benign (2). 1 of the submissions does not count toward it. Last evaluated 2025-12-16.

Conditions:
ATP8B1-related disorder. Also called: ATP8B1-related condition; ATP8B1-related disorders.

Allele frequency attached by ClinVar (database versions not stated): gnomAD exomes below 0.00001 and 0.00004; gnomAD 0.00001; TOPMed 0.00001; ExAC 0.00002.
gnomAD v4.1: 25 of 1,586,934 alleles (0.0016%); highest among the groups gnomAD compares: East Asian, 0.0089%; 1 homozygote.

Submissions (4):

Labcorp Genetics (formerly Invitae), Labcorp
Classification: Likely benign. Last evaluated: 2025-12-16. Review status: criteria provided, single submitter. Criteria: Invitae Variant Classification Sherloc (09022015). Collection method: clinical testing. Allele origin: germline.

Eurofins Ntd Llc (ga)
Classification: Uncertain significance. Last evaluated: 2017-09-26. Review status: criteria provided, single submitter. Criteria: EGL Classification Definitions 2015. Collection method: clinical testing. Allele origin: germline. Observed: 1 variant allele, 1 heterozygote.

GeneDx
Classification: Likely benign. Last evaluated: 2017-06-19. Review status: criteria provided, single submitter. Criteria: GeneDx Variant Classification (06012015). Collection method: clinical testing. Allele origin: germline. Affected: yes.
Comment: This variant is considered likely benign or benign based on one or more of the following criteria: it is a conservative change, it occurs at a poorly conserved position in the protein, it is predicted to be benign by multiple in silico algorithms, and/or has population frequency not consistent with disease.

PreventionGenetics, part of Exact Sciences
Classification: Likely benign for ATP8B1-related condition. Last evaluated: 2023-02-06. Review status: no assertion criteria provided. Collection method: clinical testing. Allele origin: germline. Not counted in ClinVar's aggregate classification.
Comment: This variant is classified as likely benign based on ACMG/AMP sequence variant interpretation guidelines (Richards et al. 2015 PMID: 25741868, with internal and published modifications).

NM_001374385.1(ATP8B1):c.2209+9T>C

Genes: ATP8B1 (ATPase phospholipid transporting 8B1; minus strand), ATP8B1-AS1 (ATP8B1 antisense RNA 1; plus strand). Cytogenetic location: 18q21.31.
Variant type: single nucleotide variant.
Coding change: c.2209+9T>C on transcript NM_001374385.1 (MANE Select); 9 bases into the intron after coding-DNA position 2209, T replaced by C.
Molecular consequence: intron variant. On other transcripts: non-coding transcript variant (1).
Genome position (GRCh38, 1-based): chr18:57,668,420, A>G on the plus strand (T>C on the coding strand, the complement: ATP8B1 is on the minus strand). VCF-style: chr18-57668420-A-G. GRCh37 (hg19) VCF-style: chr18-55335652-A-G.
Other names: c.2209+9T>C (NM_005603.6); c.2059+9T>C (NM_001374386.1).
Identifiers: ClinVar variation 510061 (VCV000510061.10), dbSNP rs377124910, ClinGen allele CA8974347.